The following is an entry in ClinVar:

NM_030665.4(RAI1):c.5565+10C>T

Gene: RAI1 (retinoic acid induced 1; plus strand). Cytogenetic location: 17p11.2.
Variant type: single nucleotide variant.
Coding change: c.5565+10C>T on transcript NM_030665.4 (MANE Select); 10 bases into the intron after coding-DNA position 5565, C replaced by T.
Molecular consequence: intron variant.
Genome position (GRCh38, 1-based): chr17:17,798,523, C>T. VCF-style: chr17-17798523-C-T. GRCh37 (hg19) VCF-style: chr17-17701837-C-T.
Other names: c.5565+10C>T (NM_030665.3).
Identifiers: ClinVar variation 2768063 (VCV002768063.4), dbSNP rs780025839, ClinGen allele CA8419188.

ClinVar aggregate classification (germline): Likely benign. Review status: criteria provided, single submitter (1 of 4 stars). 2 submissions from 2 submitters: Likely benign (1). 1 of the submissions does not count toward it. Last evaluated 2025-06-29.

Conditions:
RAI1-related disorder. Also called: RAI1-related condition.

Allele frequency attached by ClinVar (database versions not stated): gnomAD 0.00001; ExAC 0.00004; gnomAD exomes 0.00001; TOPMed 0.00006.
gnomAD v4.1: 17 of 1,598,662 alleles (0.0011%); highest among the groups gnomAD compares: African/African-American, 0.0013%; no homozygotes.

Submissions (2):

Labcorp Genetics (formerly Invitae), Labcorp
Classification: Likely benign. Last evaluated: 2025-06-29. Review status: criteria provided, single submitter. Criteria: Invitae Variant Classification Sherloc (09022015). Collection method: clinical testing. Allele origin: germline.

PreventionGenetics, part of Exact Sciences
Classification: Likely benign for RAI1-related condition. Last evaluated: 2021-11-17. Review status: no assertion criteria provided. Collection method: clinical testing. Allele origin: germline. Not counted in ClinVar's aggregate classification.
Comment: This variant is classified as likely benign based on ACMG/AMP sequence variant interpretation guidelines (Richards et al. 2015 PMID: 25741868, with internal and published modifications).